The following is an entry in ClinVar:

NM_002473.6(MYH9):c.108_116del (p.Asp37_Ser39del)

Gene: MYH9 (myosin heavy chain 9; minus strand). Cytogenetic location: 22q12.3.
Variant type: Deletion.
Coding change: c.108_116del on transcript NM_002473.6 (MANE Select); coding-DNA positions 108 to 116, 9 bases deleted (CGACAAGAG; older notation c.108_116delCGACAAGAG).
Protein change: p.Asp37_Ser39del.
Molecular consequence: inframe deletion.
Genome position (GRCh38, 1-based): chr22:36,349,121-36,349,129, CTCTTGTCG deleted on the plus strand (CGACAAGAG on the coding strand, the reverse complement: MYH9 is on the minus strand). VCF-style (leftmost placement, unchanged base first): chr22-36349120-ACTCTTGTCG-A. GRCh37 (hg19) VCF-style: chr22-36745165-ACTCTTGTCG-A.
Identifiers: ClinVar variation 623095 (VCV000623095.3), dbSNP rs1603484057, ClinGen allele CA915951380.
Genomic context (GRCh38, chr22:36,349,120, plus strand): 5'-CACCAGCTCCACGATGGCCTCTTCGCCCACCTCCTCCTTGAGGCTGGCTGGCTCAAAGCC[ACTCTTGTCG>A]GAAGGCACCCATACCAGCTTCTTGGCAGCCCAGTCGGCCTGGGCCAGCGGATTGTTGATG-3'

ClinVar aggregate classification (germline): Uncertain significance (1 of 4 stars; one submission).

Conditions:
MYH9-related disorder. Identifiers: MedGen C1854520.

Submission:

NIHR Bioresource Rare Diseases, University of Cambridge
Classification: Uncertain significance for MYH9-related disorder. Last evaluated: 2018-12-12. Review status: criteria provided, single submitter. Criteria: ACMG Guidelines, 2015. Collection method: research. Allele origin: unknown. Inheritance: Autosomal dominant inheritance. Affected: yes. Observed: 1 variant allele.
Comment: PM2, PM4, PP4